The following is an entry in ClinVar:

ClinVar aggregate classification (germline): Uncertain significance. Review status: criteria provided, multiple submitters, no conflicts (2 of 4 stars). 3 submissions from 3 submitters: Uncertain significance (2). 1 of the submissions does not count toward it. Last evaluated 2020-09-25.

Conditions:
Usher syndrome type 2A. Also called: RETINAL DISEASE IN USHER SYNDROME TYPE IIA, MODIFIER OF; USHER SYNDROME, TYPE IIA. Identifiers: Orphanet 231178, Orphanet 886, MedGen C1848634, MONDO:0010169, OMIM 276901.

Allele frequency attached by ClinVar (database versions not stated): gnomAD exomes below 0.00001; ExAC 0.00001; TOPMed 0.00001; gnomAD 0.00002; ESP Exome Variant Server 0.00008.
gnomAD v4.1: 7 of 1,613,198 alleles (0.00043%); highest among the groups gnomAD compares: Non-Finnish European, 0.00059%; no homozygotes.

Submissions (3):

Labcorp Genetics (formerly Invitae), Labcorp
Classification: Uncertain significance. Last evaluated: 2020-09-25. Review status: criteria provided, single submitter. Criteria: Invitae Variant Classification Sherloc (09022015). Collection method: clinical testing. Allele origin: germline.
Comment: This sequence change falls in intron 30 of the USH2A gene. It does not directly change the encoded amino acid sequence of the USH2A protein, but it affects a nucleotide within the consensus splice site of the intron. This variant is present in population databases (rs368789291, ExAC 0.001%). This variant has not been reported in the literature in individuals with USH2A-related conditions. Nucleotide substitutions within the consensus splice site are a relatively common cause of aberrant splicing (PMID: 17576681, 9536098). Algorithms developed to predict the effect of sequence changes on RNA splicing suggest that this variant is not likely to affect RNA splicing, but this prediction has not been confirmed by published transcriptional studies. In summary, the available evidence is currently insufficient to determine the role of this variant in disease. Therefore, it has been classified as a Variant of Uncertain Significance.

Blueprint Genetics
Classification: Uncertain significance. Last evaluated: 2019-04-18. Review status: criteria provided, single submitter. Criteria: ACMG Guidelines, 2015. Collection method: clinical testing. Allele origin: germline.

Natera, Inc.
Classification: Uncertain significance for Usher syndrome type 2A. Last evaluated: 2020-03-11. Review status: no assertion criteria provided. Collection method: clinical testing. Allele origin: germline. Not counted in ClinVar's aggregate classification.

Literature cited by the submitters: PubMed 17576681 (cited by Labcorp Genetics (formerly Invitae), Labcorp); PubMed 9536098 (cited by Labcorp Genetics (formerly Invitae), Labcorp).

NM_206933.4(USH2A):c.6050-3T>C

Gene: USH2A (usherin; minus strand). Cytogenetic location: 1q41.
Variant type: single nucleotide variant.
Coding change: c.6050-3T>C on transcript NM_206933.4 (MANE Select); 3 bases into the intron before coding-DNA position 6050, T replaced by C.
Molecular consequence: intron variant.
Genome position (GRCh38, 1-based): chr1:216,048,650, A>G on the plus strand (T>C on the coding strand, the complement: USH2A is on the minus strand). VCF-style: chr1-216048650-A-G. GRCh37 (hg19) VCF-style: chr1-216221992-A-G.
Identifiers: ClinVar variation 1063107 (VCV001063107.4), dbSNP rs368789291, ClinGen allele CA1395247.